The following is an entry in ClinVar:

ClinVar aggregate classification (germline): Pathogenic (1 of 4 stars; one submission).

Conditions:
GM3 synthase deficiency (SPDRS). Also called: SALT AND PEPPER DEVELOPMENTAL REGRESSION SYNDROME; AMISH INFANTILE EPILEPSY SYNDROME; SALT AND PEPPER MENTAL RETARDATION SYNDROME. Identifiers: Orphanet 171714, Orphanet 370933, MedGen C1836824, MONDO:0018274, OMIM 609056.

Submission:

Labcorp Genetics (formerly Invitae), Labcorp
Classification: Pathogenic for GM3 synthase deficiency. Last evaluated: 2024-12-06. Review status: criteria provided, single submitter. Criteria: Invitae Variant Classification Sherloc (09022015). Collection method: clinical testing. Allele origin: germline.
Comment: This sequence change creates a premature translational stop signal (p.Trp292Glyfs*18) in the ST3GAL5 gene. It is expected to result in an absent or disrupted protein product. Loss-of-function variants in ST3GAL5 are known to be pathogenic (PMID: 15502825, 22990144, 27232954). This variant is not present in population databases (gnomAD no frequency). This variant has not been reported in the literature in individuals affected with ST3GAL5-related conditions. For these reasons, this variant has been classified as Pathogenic.

Literature cited by the submitters: PubMed 15502825; PubMed 22990144; PubMed 27232954.

NM_003896.4(ST3GAL5):c.874del (p.Trp292fs)

Gene: ST3GAL5 (ST3 beta-galactoside alpha-2,3-sialyltransferase 5; minus strand). Cytogenetic location: 2p11.2.
Variant type: Deletion.
Coding change: c.874del on transcript NM_003896.4 (MANE Select); coding-DNA position 874, one base deleted (T; older notation c.874delT).
Protein change: p.Trp292fs; shifts the reading frame from tryptophan 292.
Molecular consequence: frameshift variant. On other transcripts: intron variant (1).
Genome position (GRCh38, 1-based): chr2:85,844,530, A deleted on the plus strand (T on the coding strand, the reverse complement: ST3GAL5 is on the minus strand); the first of 4 consecutive A bases (chr2:85,844,530-85,844,533); deleting any one gives the same sequence. VCF-style (leftmost placement, unchanged base first): chr2-85844529-CA-C. GRCh37 (hg19) VCF-style: chr2-86071652-CA-C.
Other names: c.805del, p.Trp269fs (NM_001042437.2); c.490del, p.Trp164fs (NM_001354223.2, NM_001354224.2, NM_001354226.2 and 3 more transcripts); c.790del, p.Trp264fs (NM_001354227.2, NM_001354229.2, NM_001354238.1); c.151del, p.Trp51fs (NM_001354247.1); c.849+1847del (NM_001363847.1); short protein forms W264fs, W164fs, W269fs, W51fs, W292fs.
Identifiers: ClinVar variation 3726354 (VCV003726354.2).